The following is an entry in ClinVar:

ClinVar aggregate classification (germline): Likely benign (0 of 4 stars; one submission).

Conditions:
UCP3-related disorder. Also called: UCP3-related condition.

gnomAD v4.1: 3 of 1,614,066 alleles (0.00019%); highest among the groups gnomAD compares: Non-Finnish European, 0.00025%; no homozygotes.

Submission:

PreventionGenetics, part of Exact Sciences
Classification: Likely benign for UCP3-related condition. Last evaluated: 2024-05-10. Review status: no assertion criteria provided. Collection method: clinical testing. Allele origin: germline.
Comment: This variant is classified as likely benign based on ACMG/AMP sequence variant interpretation guidelines (Richards et al. 2015 PMID: 25741868, with internal and published modifications).

NM_003356.4(UCP3):c.96T>C (p.Phe32=)

Gene: UCP3 (uncoupling protein 3; minus strand). Cytogenetic location: 11q13.4.
Variant type: single nucleotide variant.
Coding change: c.96T>C on transcript NM_003356.4 (MANE Select); coding-DNA position 96, T replaced by C.
Protein change: p.Phe32=; no amino-acid change (phenylalanine 32 retained).
Molecular consequence: synonymous variant.
Genome position (GRCh38, 1-based): chr11:74,006,947, A>G on the plus strand (T>C on the coding strand, the complement: UCP3 is on the minus strand). VCF-style: chr11-74006947-A-G. GRCh37 (hg19) VCF-style: chr11-73717992-A-G.
Other names: c.96T>C, p.Phe32= (NM_022803.3).
Identifiers: ClinVar variation 3354664 (VCV003354664.1).